The following is an entry in ClinVar:

ClinVar aggregate classification (germline): Conflicting classifications of pathogenicity. Review status: criteria provided, conflicting classifications (1 of 4 stars). 15 submissions from 15 submitters: Uncertain significance (1); Benign (4); Likely benign (9). 1 of the submissions does not count toward it. Last evaluated 2026-08-01.

Conditions:
TSC2-related disorder. Also called: TSC2-related condition; TSC2-Related Disorders.
Hereditary cancer-predisposing syndrome. Also called: Neoplastic Syndromes, Hereditary; Tumor predisposition; Hereditary Cancer Syndrome; Hereditary neoplastic syndrome. Identifiers: Orphanet 140162, MedGen C0027672, MeSH D009386, MONDO:0015356.
Tuberous sclerosis syndrome (TSC). Also called: Tuberous Sclerosis Complex; Tuberous sclerosis. Identifiers: Orphanet 805, MedGen C0041341, MONDO:0001734.
Tuberous sclerosis 2 (TSC2). Identifiers: Orphanet 805, MedGen C1860707, MONDO:0013199, OMIM 613254.

Allele frequency attached by ClinVar (database versions not stated): ExAC 0.00008; ESP Exome Variant Server 0.00008; TOPMed 0.00014; gnomAD 0.00018 and 0.00019; gnomAD exomes 0.00018.
gnomAD v4.1: 206 of 1,612,840 alleles (0.013%); highest among the groups gnomAD compares: Admixed American, 0.017%; no homozygotes.

Submissions (15):

CeGaT Center for Human Genetics Tuebingen
Classification: Likely benign. Last evaluated: 2026-08-01. Review status: criteria provided, single submitter. Criteria: CeGaT Center For Human Genetics Tuebingen Variant Classification Criteria Version 2. Collection method: clinical testing. Allele origin: germline. Affected: yes. Observed: 5 variant alleles.
Comment: TSC2: BP4, BP7

Labcorp Genetics (formerly Invitae), Labcorp
Classification: Benign for Tuberous sclerosis 2. Last evaluated: 2026-01-31. Review status: criteria provided, single submitter. Criteria: Invitae Variant Classification Sherloc (09022015). Collection method: clinical testing. Allele origin: germline.

PreventionGenetics, part of Exact Sciences
Classification: Likely benign for TSC2-related condition. Last evaluated: 2025-09-03. Review status: criteria provided, single submitter. Criteria: ACMG Guidelines, 2015. Collection method: clinical testing. Allele origin: germline.
Comment: This variant is classified as likely benign based on ACMG/AMP sequence variant interpretation guidelines (Richards et al. 2015 PMID: 25741868, with internal and published modifications).

Myriad Genetics, Inc.
Classification: Benign for Tuberous sclerosis 2. Last evaluated: 2025-05-29. Review status: criteria provided, single submitter. Criteria: Myriad Autosomal Dominant, Autosomal Recessive and X-Linked Classification Criteria (2023). Collection method: clinical testing. Allele origin: unknown.
Comment: This variant is considered benign. This variant is a silent/synonymous amino acid change and it is not expected to impact splicing.

Laboratory of Genetics, Children's Clinical University Hospital Latvia
Classification: Likely benign. Last evaluated: 2025-02-16. Review status: criteria provided, single submitter. Criteria: ACMG Guidelines, 2015. Collection method: clinical testing. Allele origin: germline. Affected: yes.

Blueprint Genetics
Classification: Likely benign. Last evaluated: 2024-05-14. Review status: criteria provided, single submitter. Criteria: ACMG Guidelines, 2015. Collection method: clinical testing. Allele origin: germline.

All of Us Research Program, National Institutes of Health
Classification: Likely benign for Tuberous sclerosis syndrome. Last evaluated: 2024-02-05. Review status: criteria provided, single submitter. Criteria: ACMG Guidelines, 2015. Collection method: clinical testing. Allele origin: germline. Inheritance: Autosomal dominant inheritance. Observed: 40 variant alleles, 40 heterozygotes.
Comment: This study involves interpretation of variants in research participants for the purpose of population health screening. Participant phenotype was not available at the time of variant classification. Additional details can be found in publication PMID: 35346344, PMCID: PMC8962531

Quest Diagnostics Nichols Institute San Juan Capistrano
Classification: Benign. Last evaluated: 2022-12-09. Review status: criteria provided, single submitter. Criteria: Quest Diagnostics criteria. Collection method: clinical testing. Allele origin: unknown.

Color Diagnostics, LLC DBA Color Health
Classification: Likely benign for Tuberous sclerosis syndrome. Last evaluated: 2022-09-20. Review status: criteria provided, single submitter. Criteria: ACMG Guidelines, 2015. Collection method: clinical testing. Allele origin: germline.

Genome-Nilou Lab
Classification: Likely benign for Tuberous sclerosis 2. Last evaluated: 2021-11-07. Review status: criteria provided, single submitter. Criteria: ACMG Guidelines, 2015. Collection method: clinical testing. Allele origin: germline. Affected: no.

GeneDx
Classification: Likely benign. Last evaluated: 2021-05-22. Review status: criteria provided, single submitter. Criteria: GeneDx Variant Classification Process June 2021. Collection method: clinical testing. Allele origin: germline. Affected: yes.
Comment: This variant is associated with the following publications: (PMID: 25186949, 22558107)

Sema4
Classification: Benign for Hereditary cancer-predisposing syndrome. Last evaluated: 2021-02-03. Review status: criteria provided, single submitter. Criteria: Sema4 Curation Guidelines. Collection method: curation. Allele origin: germline.

Illumina Laboratory Services, Illumina
Classification: Uncertain significance for Tuberous sclerosis syndrome. Last evaluated: 2018-01-13. Review status: criteria provided, single submitter. Criteria: ICSL Variant Classification Criteria 13 December 2019. Collection method: clinical testing. Allele origin: germline.

Ambry Genetics
Classification: Likely benign for Hereditary cancer-predisposing syndrome. Last evaluated: 2014-10-15. Review status: criteria provided, single submitter. Criteria: Ambry Variant Classification Scheme 2023. Collection method: clinical testing. Allele origin: germline.

Tuberous sclerosis database (TSC2)
No classification provided. Condition: TSC. Review status: no classification provided. Criteria: Tuberous Sclerosis Database Assertion Criteria 2015. Collection method: curation. Allele origin: germline. Affected: yes. Not counted in ClinVar's aggregate classification.

NM_000548.5(TSC2):c.3429C>T (p.Asp1143=)

Gene: TSC2 (TSC complex subunit 2; plus strand). Cytogenetic location: 16p13.3.
Variant type: single nucleotide variant.
Coding change: c.3429C>T on transcript NM_000548.5 (MANE Select); coding-DNA position 3429, C replaced by T.
Protein change: p.Asp1143=; no amino-acid change (aspartic acid 1143 retained).
Molecular consequence: synonymous variant.
Genome position (GRCh38, 1-based): chr16:2,080,196, C>T. VCF-style: chr16-2080196-C-T. GRCh37 (hg19) VCF-style: chr16-2130197-C-T.
Other names: c.3297C>T, p.Asp1099= (NM_001077183.3, NM_001370404.1); c.3429C>T, p.Asp1143= (NM_001114382.3); c.3189C>T, p.Asp1063= (NM_001318827.2); c.3153C>T, p.Asp1051= (NM_001318829.2); c.2697C>T, p.Asp899= (NM_001318831.2); c.3330C>T, p.Asp1110= (NM_001318832.2); c.3300C>T, p.Asp1100= (NM_001363528.2, NM_001370405.1, NM_021055.3); c.3429C>T (NM_000548.4).
Identifiers: ClinVar variation 49553 (VCV000049553.68), dbSNP rs45487691, ClinGen allele CA019149.
Genomic context (GRCh38, chr16:2,080,196, plus strand): 5'-GGTCACCAGTCCTCTGCCCTCTTCTTCAGGGGGCCATGGTCTTCGAGTTGGCGCCCTGGA[C>T]GTGCCGGCCTCCCAGTTCCTGGGCAGTGCCACTTCTCCAGGACCACGGACTGCACCAGCC-3'
Protein context (NP_000539.2, residues 1133-1153): GGHGLRVGAL[Asp1143=]VPASQFLGSA